The following is an entry in ClinVar:

ClinVar aggregate classification (germline): Uncertain significance (1 of 4 stars; one submission).

Allele frequency attached by ClinVar (database versions not stated): gnomAD 0.00001.
gnomAD v4.1: 4 of 1,612,196 alleles (0.00025%); highest among the groups gnomAD compares: Admixed American, 0.0067%; no homozygotes.

Submission:

Labcorp Genetics (formerly Invitae), Labcorp
Classification: Uncertain significance. Last evaluated: 2023-11-24. Review status: criteria provided, single submitter. Criteria: Invitae Variant Classification Sherloc (09022015). Collection method: clinical testing. Allele origin: germline.
Comment: This sequence change replaces alanine, which is neutral and non-polar, with threonine, which is neutral and polar, at codon 314 of the KLHDC8B protein (p.Ala314Thr). This variant is not present in population databases (gnomAD no frequency). This variant has not been reported in the literature in individuals affected with KLHDC8B-related conditions. Algorithms developed to predict the effect of missense changes on protein structure and function output the following: SIFT: "Not Available"; PolyPhen-2: "Benign"; Align-GVGD: "Not Available". The threonine amino acid residue is found in multiple mammalian species, which suggests that this missense change does not adversely affect protein function. In summary, the available evidence is currently insufficient to determine the role of this variant in disease. Therefore, it has been classified as a Variant of Uncertain Significance.

NM_173546.3(KLHDC8B):c.940G>A (p.Ala314Thr)

Gene: KLHDC8B (kelch domain containing 8B; plus strand). Cytogenetic location: 3p21.31.
Variant type: single nucleotide variant.
Coding change: c.940G>A on transcript NM_173546.3 (MANE Select); coding-DNA position 940, G replaced by A.
Protein change: p.Ala314Thr; replaces alanine 314 with threonine.
Molecular consequence: missense variant.
Genome position (GRCh38, 1-based): chr3:49,175,676, G>A. VCF-style: chr3-49175676-G-A. GRCh37 (hg19) VCF-style: chr3-49213109-G-A.
Other names: short protein forms A314T.
Identifiers: ClinVar variation 2978324 (VCV002978324.3), dbSNP rs1364412070, ClinGen allele CA352778278.